The following is an entry in ClinVar:

NM_001128126.3(AP4S1):c.139-2A>G

Gene: AP4S1 (adaptor related protein complex 4 subunit sigma 1; plus strand). Cytogenetic location: 14q12.
Variant type: single nucleotide variant.
Coding change: c.139-2A>G on transcript NM_001128126.3 (MANE Select); the canonical splice acceptor site of the intron before coding-DNA position 139, A replaced by G.
Molecular consequence: splice acceptor variant.
Genome position (GRCh38, 1-based): chr14:31,069,841, A>G. VCF-style: chr14-31069841-A-G. GRCh37 (hg19) VCF-style: chr14-31539047-A-G.
Other names: c.139-2A>G (NM_001254729.2, NM_001254727.2, NM_007077.5 and 2 more transcripts).
Identifiers: ClinVar variation 1344801 (VCV001344801.3), dbSNP rs758748011, ClinGen allele CA7144178.

ClinVar aggregate classification (germline): Likely pathogenic. Review status: criteria provided, multiple submitters, no conflicts (2 of 4 stars). 3 submissions from 3 submitters: Likely pathogenic (2). 1 of the submissions does not count toward it. Last evaluated 2023-05-20.

Conditions:
Spastic paraplegia. Identifiers: MedGen C0037772, HP:0001258.
Hereditary spastic paraplegia 52 (SPG52). Also called: CEREBRAL PALSY, SPASTIC QUADRIPLEGIC, 6; SPASTIC PARAPLEGIA 52, AUTOSOMAL RECESSIVE. Identifiers: Orphanet 280763, MedGen C3279743, MONDO:0013552, OMIM 614067.

Allele frequency attached by ClinVar (database versions not stated): gnomAD 0.00001; gnomAD exomes 0.00001 and 0.00002; TOPMed 0.00001; ExAC 0.00002.
gnomAD v4.1: 11 of 1,606,458 alleles (0.00068%); highest among the groups gnomAD compares: South Asian, 0.012%; no homozygotes.

Submissions (3):

Neuberg Centre For Genomic Medicine, NCGM
Classification: Likely pathogenic for Hereditary spastic paraplegia 52. Last evaluated: 2023-05-20. Review status: criteria provided, single submitter. Criteria: ACMG Guidelines, 2015. Collection method: clinical testing. Allele origin: germline. Inheritance: Autosomal recessive inheritance. Affected: yes.
Comment: The observed splice acceptor variant c.139-2A>G in AP4S1 gene has been reported previously in homozygous state in individuals with hereditary spastic paraplegia (Ebrahimi-Fakhari D, et al., 2020). The c.139-2A>G variant has 0.005% allele frequency in gnomAD Exomes. This variant has been reported to the ClinVar database as Likely Pathogenic. However, study on multiple affected individuals and functional impact of the variant is not available. The variant affects the AG acceptor splice site upstream to exon 3.The variant is predicted to be Damaging by SpliceAI Prediction.This variant is predicted to cause loss of normal protein function through protein truncation. Loss of function variants have been previously reported to be disease causing (Hardies K, et al., 2015). For these reasons, this variant has been classified as Likely Pathogenic.

Department of Medical Genetics, Sanjay Gandhi Post Graduate Institute of Medical Sciences
Classification: Likely pathogenic for Hereditary spastic paraplegia 52. Review status: criteria provided, single submitter. Criteria: ACMG Guidelines, 2015. Collection method: research. Allele origin: germline. Inheritance: Autosomal recessive inheritance. Affected: yes. Observed: 1 homozygote.

Yale Center for Mendelian Genomics, Yale University
Classification: Likely pathogenic for Spastic paraplegia. Last evaluated: 2020-10-01. Review status: no assertion criteria provided. Collection method: literature only. Allele origin: germline. Affected: yes. Observed: 1 homozygote. Study: Yale Center for Mendelian Genomics. Not counted in ClinVar's aggregate classification.

Literature cited by the submitters: PubMed 32979048 (cited by Department of Medical Genetics, Sanjay Gandhi Post Graduate Institute of Medical Sciences and Yale Center for Mendelian Genomics, Yale University).